The following is an entry in ClinVar:

ClinVar aggregate classification (germline): Uncertain significance (1 of 4 stars; one submission).

Conditions:
Growth delay due to insulin-like growth factor I resistance. Also called: Insulin-Like Growth Factor I Resistance; Somatomedin end-organ insensitivity to; Somatomedin-c resistance to; IGF-1 resistance; IGF-I RESISTANCE. Identifiers: Orphanet 73273, MedGen C1849157, MONDO:0010038, OMIM 270450.

Submission:

Victorian Clinical Genetics Services, Murdoch Childrens Research Institute
Classification: Uncertain significance for Growth delay due to insulin-like growth factor I resistance. Last evaluated: 2026-07-07. Review status: criteria provided, single submitter. Criteria: ACMG Guidelines, 2015. Collection method: clinical testing. Allele origin: germline. Affected: yes.
Comment: This variant is classified as VUS-3A. Evidence in support of pathogenic classification: Variant is absent from gnomAD (v4); Missense variant predicted to be damaging by in silico tool(s) or highly conserved with a major amino acid change. Additional information: Variant is predicted to result in a missense amino acid change from Asn to Ile; This variant is heterozygous; This gene is associated with both recessive and dominant disease. Autosomal dominant is the predominant mode of inheritance, with biallelic individuals displaying a more severe phenotype (PMID: 31586944); This variant has no previous evidence of pathogenicity; No published evidence of segregation with disease has been identified for this variant; No published functional evidence has been identified for this variant; No comparable missense variants have previous evidence for pathogenicity; Variant is located in the annotated N-linked glycosylation site (DECIPHER); Loss of function is a known mechanism of disease in this gene and is associated with resistance to insulin-like growth factor 1 (MIM#270450). - Inheritance information for this variant is not currently available in this individual.

Literature cited by the submitters: PubMed 31586944.

NM_000875.5(IGF1R):c.1919A>T (p.Asn640Ile)

Gene: IGF1R (insulin like growth factor 1 receptor; plus strand). Cytogenetic location: 15q26.3.
Variant type: single nucleotide variant.
Coding change: c.1919A>T on transcript NM_000875.5 (MANE Select); coding-DNA position 1919, A replaced by T.
Protein change: p.Asn640Ile; replaces asparagine 640 with isoleucine.
Molecular consequence: missense variant.
Genome position (GRCh38, 1-based): chr15:98,916,054, A>T. VCF-style: chr15-98916054-A-T. GRCh37 (hg19) VCF-style: chr15-99459283-A-T.
Other names: c.1919A>T, p.Asn640Ile (NM_001291858.2); short protein forms N640I.
Identifiers: ClinVar variation 4879592 (VCV004879592.1).
Genomic context (GRCh38, chr15:98,916,054, plus strand): 5'-CATCGAACTCCTCTTCTCAGTTAATCGTGAAGTGGAACCCTCCCTCTCTGCCCAACGGCA[A>T]CCTGAGTTACTACATTGTGCGCTGGCAGCGGCAGCCTCAGGACGGCTACCTTTACCGGCA-3'
Protein context (NP_000866.1, residues 630-650): KWNPPSLPNG[Asn640Ile]LSYYIVRWQR